The following is an entry in ClinVar:

NM_001384900.1(SEMA3D):c.1782A>C (p.Glu594Asp)

Gene: SEMA3D (semaphorin 3D; minus strand). Cytogenetic location: 7q21.11.
Variant type: single nucleotide variant.
Coding change: c.1782A>C on transcript NM_001384900.1 (MANE Select); coding-DNA position 1782, A replaced by C.
Protein change: p.Glu594Asp; replaces glutamic acid 594 with aspartic acid.
Molecular consequence: missense variant.
Genome position (GRCh38, 1-based): chr7:85,006,928, T>G on the plus strand (A>C on the coding strand, the complement: SEMA3D is on the minus strand). VCF-style: chr7-85006928-T-G. GRCh37 (hg19) VCF-style: chr7-84636244-T-G.
Other names: c.1782A>C, p.Glu594Asp (NM_001384901.1, NM_001384902.1, NM_001384903.1 and 1 more transcripts); short protein forms E594D.
Identifiers: ClinVar variation 3353711 (VCV003353711.2).
Genomic context (GRCh38, chr7:85,006,928, plus strand): 5'-TATACATTCCAGAAAGGTTGAGTTAAATTCAATGCCAAAAATCACCTTTTCATCAGCAGT[T>G]TCATGACTAATGCCTGGAAAGCAAACATGGAATAAGAGATTAACCTTGACCTGATTTTAA-3'
Protein context (NP_001371829.1, residues 584-604): CWDIEDSISH[Glu594Asp]TADEKVIFGI

ClinVar aggregate classification (germline): Uncertain significance (1 of 4 stars; one submission).

Conditions:
SEMA3D-related disorder. Also called: SEMA3D-related condition.

gnomAD v4.1: 3 of 1,610,006 alleles (0.00019%); highest among the groups gnomAD compares: African/African-American, 0.004%; no homozygotes.

Submission:

PreventionGenetics, part of Exact Sciences
Classification: Uncertain significance for SEMA3D-related condition. Last evaluated: 2025-05-06. Review status: criteria provided, single submitter. Criteria: ACMG Guidelines, 2015. Collection method: clinical testing. Allele origin: germline.
Comment: The SEMA3D c.1782A>C variant is predicted to result in the amino acid substitution p.Glu594Asp. To our knowledge, this variant has not been reported in the literature. This variant is reported in 0.019% of alleles in individuals of African descent in gnomAD. At this time, the clinical significance of this variant is uncertain due to the absence of conclusive functional and genetic evidence.